The following is an entry in ClinVar:

NM_007254.4(PNKP):c.109C>A (p.Pro37Thr)

Gene: PNKP (polynucleotide kinase 3'-phosphatase; minus strand). Cytogenetic location: 19q13.33.
Variant type: single nucleotide variant.
Coding change: c.109C>A on transcript NM_007254.4 (MANE Select); coding-DNA position 109, C replaced by A.
Protein change: p.Pro37Thr; replaces proline 37 with threonine.
Molecular consequence: missense variant.
Genome position (GRCh38, 1-based): chr19:49,867,096, G>T on the plus strand (C>A on the coding strand, the complement: PNKP is on the minus strand). VCF-style: chr19-49867096-G-T. GRCh37 (hg19) VCF-style: chr19-50370353-G-T.
Other names: short protein forms P37T.
Identifiers: ClinVar variation 1190503 (VCV001190503.3), dbSNP rs536541839, ClinGen allele CA406893515.
Genomic context (GRCh38, chr19:49,867,096, plus strand): 5'-AGCTCAGGCCCCGCTCACCTTGAGTTCTGGAGCACTTCCGGTCCGTAACCTGGGTCAGGG[G>T]TCCCCTGCCCAGGACCAGGGCTTGCCCGTCCGAGGGCAGGAAGATGGGGGGCGCTCCCCC-3'
Protein context (NP_009185.2, residues 27-47): DGQALVLGRG[Pro37Thr]LTQVTDRKCS

ClinVar aggregate classification (germline): Uncertain significance (1 of 4 stars; one submission).

Submission:

GeneDx
Classification: Uncertain significance. Last evaluated: 2024-08-01. Review status: criteria provided, single submitter. Criteria: GeneDx Variant Classification Process June 2021. Collection method: clinical testing. Allele origin: germline. Affected: yes.
Comment: Not observed at significant frequency in large population cohorts (gnomAD); In silico analysis supports that this missense variant has a deleterious effect on protein structure/function; Has not been previously published as pathogenic or benign to our knowledge; This variant is associated with the following publications: (PMID: 22508754)